The following is an entry in ClinVar:

ClinVar aggregate classification (germline): Uncertain significance (1 of 4 stars; one submission).

gnomAD v4.1: 9 of 1,614,084 alleles (0.00056%); highest among the groups gnomAD compares: Non-Finnish European, 0.00076%; no homozygotes.

Submission:

Labcorp Genetics (formerly Invitae), Labcorp
Classification: Uncertain significance. Last evaluated: 2025-11-27. Review status: criteria provided, single submitter. Criteria: Invitae Variant Classification Sherloc (09022015). Collection method: clinical testing. Allele origin: germline.
Comment: This sequence change replaces serine, which is neutral and polar, with asparagine, which is neutral and polar, at codon 76 of the ANG protein (p.Ser76Asn). This variant is not present in population databases (gnomAD no frequency). This variant has not been reported in the literature in individuals affected with ANG-related conditions. An algorithm developed to predict the effect of missense changes on protein structure and function outputs the following: PolyPhen-2: "Benign". The asparagine amino acid residue is found in multiple mammalian species, which suggests that this missense change does not adversely affect protein function. In summary, the available evidence is currently insufficient to determine the role of this variant in disease. Therefore, it has been classified as a Variant of Uncertain Significance.

NM_001097577.3(ANG):c.227G>A (p.Ser76Asn)

Genes: ANG (angiogenin; plus strand), EGILA (EGFR interacting lncRNA; minus strand), RNASE4 (ribonuclease A family member 4; plus strand). Cytogenetic location: 14q11.2.
Variant type: single nucleotide variant.
Coding change: c.227G>A on transcript NM_001097577.3 (MANE Select); coding-DNA position 227, G replaced by A.
Protein change: p.Ser76Asn; replaces serine 76 with asparagine.
Molecular consequence: missense variant. On other transcripts: intron variant (4).
Genome position (GRCh38, 1-based): chr14:20,693,791, G>A. VCF-style: chr14-20693791-G-A. GRCh37 (hg19) VCF-style: chr14-21161950-G-A.
Other names: c.227G>A, p.Ser76Asn (NM_001145.4, NM_001385271.1, NM_001385272.1 and 2 more transcripts); c.-18+141G>A (NM_001282192.2); c.-17-5564G>A (NM_002937.5, NM_001282193.2); c.-18+4917G>A (NM_194431.3); short protein forms S76N.
Identifiers: ClinVar variation 4737926 (VCV004737926.1).
Genomic context (GRCh38, chr14:20,693,791, plus strand): 5'-GACGGGGCCTGACCTCACCCTGCAAAGACATCAACACATTTATTCATGGCAACAAGCGCA[G>A]CATCAAGGCCATCTGTGAAAACAAGAATGGAAACCCTCACAGAGAAAACCTAAGAATAAG-3'
Protein context (NP_001091046.1, residues 66-86): INTFIHGNKR[Ser76Asn]IKAICENKNG